The following is an entry in ClinVar:

ClinVar aggregate classification (germline): Likely benign. Review status: criteria provided, multiple submitters, no conflicts (2 of 4 stars). 2 submissions from 2 submitters: Likely benign (2). Last evaluated 2026-01-27.

Conditions:
Septo-optic dysplasia sequence (SOD). Also called: Septo-optic dysplasia; DE MORSIER SYNDROME. Identifiers: Orphanet 3157, MedGen C0338503, MONDO:0008428, OMIM 182230, HP:0100842.
GROWTH HORMONE DEFICIENCY WITH PITUITARY ANOMALIES. Identifiers: MedGen C2750027, OMIM 182230.

Allele frequency attached by ClinVar (database versions not stated): gnomAD 0.00022 and 0.00020; TOPMed 0.00026; ESP Exome Variant Server 0.00031; gnomAD exomes 0.00005; ExAC 0.00007; 1000 Genomes Project 30x 0.00016; 1000 Genomes Project 0.00020.
gnomAD v4.1: 55 of 1,614,076 alleles (0.0034%); highest among the groups gnomAD compares: African/African-American, 0.052%; no homozygotes.

Submissions (2):

Labcorp Genetics (formerly Invitae), Labcorp
Classification: Likely benign for GROWTH HORMONE DEFICIENCY WITH PITUITARY ANOMALIES; Septo-optic dysplasia sequence. Last evaluated: 2026-01-27. Review status: criteria provided, single submitter. Criteria: Invitae Variant Classification Sherloc (09022015). Collection method: clinical testing. Allele origin: germline.

CeGaT Center for Human Genetics Tuebingen
Classification: Likely benign. Last evaluated: 2025-09-01. Review status: criteria provided, single submitter. Criteria: CeGaT Center For Human Genetics Tuebingen Variant Classification Criteria Version 2. Collection method: clinical testing. Allele origin: germline. Affected: yes. Observed: 1 variant allele.
Comment: HESX1: BP4, BP7

NM_003865.3(HESX1):c.255G>A (p.Ser85=)

Gene: HESX1 (HESX homeobox 1; minus strand). Cytogenetic location: 3p14.3.
Variant type: single nucleotide variant.
Coding change: c.255G>A on transcript NM_003865.3 (MANE Select); coding-DNA position 255, G replaced by A.
Protein change: p.Ser85=; no amino-acid change (serine 85 retained).
Molecular consequence: synonymous variant.
Genome position (GRCh38, 1-based): chr3:57,198,855, C>T on the plus strand (G>A on the coding strand, the complement: HESX1 is on the minus strand). VCF-style: chr3-57198855-C-T. GRCh37 (hg19) VCF-style: chr3-57232883-C-T.
Other names: c.255G>A, p.Ser85= (NM_001376058.1, NM_001376059.1, NM_001376060.1 and 1 more transcripts).
Identifiers: ClinVar variation 741511 (VCV000741511.15), dbSNP rs146029258, ClinGen allele CA2463290.
Genomic context (GRCh38, chr3:57,198,855, plus strand): 5'-CCAACTCAACTCTCTTTTCAAAGACAGTCTTTCTGAGGCTGAAAAGTAATTTTCATATTT[C>T]GAAGCTCTTTCTTCTGGCATTGGGTGATCCACCACGCTAGGGAATGAAATCCCACTGGGA-3'
Protein context (NP_003856.1, residues 75-95): VDHPMPEERA[Ser85=]KYENYFSASE